The following is an entry in ClinVar:

ClinVar aggregate classification (germline): Benign/Likely benign. Review status: criteria provided, multiple submitters, no conflicts (2 of 4 stars). 2 submissions from 2 submitters: Benign (1); Likely benign (1). Last evaluated 2025-02-18.

Conditions:
Breast-ovarian cancer, familial, susceptibility to, 3. Also called: RAD51C-Related Breast/Ovarian Cancer. Identifiers: Orphanet 145, MedGen C3150659, MONDO:0013253, OMIM 613399.
Fanconi anemia complementation group O. Also called: RAD51C-Related Fanconi Anemia. Identifiers: Orphanet 84, MedGen C3150653, MONDO:0013248, OMIM 613390.

Allele frequency attached by ClinVar (database versions not stated): gnomAD exomes below 0.00001.
gnomAD v4.1: 1 of 1,614,180 alleles (0.000062%); highest among the groups gnomAD compares: Middle Eastern, 0.016%; no homozygotes.

Submissions (2):

Myriad Genetics, Inc.
Classification: Benign for Breast-ovarian cancer, familial, susceptibility to, 3. Last evaluated: 2025-02-18. Review status: criteria provided, single submitter. Criteria: Myriad Autosomal Dominant, Autosomal Recessive and X-Linked Classification Criteria (2023). Collection method: clinical testing. Allele origin: unknown.
Comment: This variant is considered benign. This variant is a silent/synonymous amino acid change and it is not expected to impact splicing.

Labcorp Genetics (formerly Invitae), Labcorp
Classification: Likely benign for Fanconi anemia complementation group O. Last evaluated: 2024-05-11. Review status: criteria provided, single submitter. Criteria: Invitae Variant Classification Sherloc (09022015). Collection method: clinical testing. Allele origin: germline.

NM_058216.3(RAD51C):c.501T>C (p.Asp167=)

Gene: RAD51C (RAD51 paralog C; plus strand). Cytogenetic location: 17q22.
Variant type: single nucleotide variant.
Coding change: c.501T>C on transcript NM_058216.3 (MANE Select); coding-DNA position 501, T replaced by C.
Protein change: p.Asp167=; no amino-acid change (aspartic acid 167 retained).
Molecular consequence: synonymous variant.
Genome position (GRCh38, 1-based): chr17:58,696,789, T>C. VCF-style: chr17-58696789-T-C. GRCh37 (hg19) VCF-style: chr17-56774150-T-C.
Identifiers: ClinVar variation 2035956 (VCV002035956.5), dbSNP rs2143747486, ClinGen allele CA501074986.